The following is an entry in ClinVar:

NM_000270.4(PNP):c.344A>G (p.Asn115Ser)

Gene: PNP (purine nucleoside phosphorylase; plus strand). Cytogenetic location: 14q11.2.
Variant type: single nucleotide variant.
Coding change: c.344A>G on transcript NM_000270.4 (MANE Select); coding-DNA position 344, A replaced by G.
Protein change: p.Asn115Ser; replaces asparagine 115 with serine.
Molecular consequence: missense variant.
Genome position (GRCh38, 1-based): chr14:20,474,831, A>G. VCF-style: chr14-20474831-A-G. GRCh37 (hg19) VCF-style: chr14-20942990-A-G.
Other names: short protein forms N115S.
Identifiers: ClinVar variation 2125991 (VCV002125991.4), dbSNP rs1378572549, ClinGen allele CA389145191.

ClinVar aggregate classification (germline): Uncertain significance (1 of 4 stars; one submission).

Conditions:
Purine-nucleoside phosphorylase deficiency. Also called: NUCLEOSIDE PHOSPHORYLASE DEFICIENCY; Immunodeficiency due to purine nucleoside phosphorylase deficiency. Identifiers: Orphanet 760, MedGen C0268125, MONDO:0013171, OMIM 613179.

Allele frequency attached by ClinVar (database versions not stated): gnomAD exomes below 0.00001.
gnomAD v4.1: 2 of 1,614,204 alleles (0.00012%); highest among the groups gnomAD compares: South Asian, 0.0011%; no homozygotes.

Submission:

Labcorp Genetics (formerly Invitae), Labcorp
Classification: Uncertain significance for Purine-nucleoside phosphorylase deficiency. Last evaluated: 2023-12-15. Review status: criteria provided, single submitter. Criteria: Invitae Variant Classification Sherloc (09022015). Collection method: clinical testing. Allele origin: germline.
Comment: This sequence change replaces asparagine, which is neutral and polar, with serine, which is neutral and polar, at codon 115 of the PNP protein (p.Asn115Ser). This variant is present in population databases (no rsID available, gnomAD 0.003%). This variant has not been reported in the literature in individuals affected with PNP-related conditions. ClinVar contains an entry for this variant (Variation ID: 2125991). Advanced modeling of protein sequence and biophysical properties (such as structural, functional, and spatial information, amino acid conservation, physicochemical variation, residue mobility, and thermodynamic stability) has been performed at Invitae for this missense variant, however the output from this modeling did not meet the statistical confidence thresholds required to predict the impact of this variant on PNP protein function. In summary, the available evidence is currently insufficient to determine the role of this variant in disease. Therefore, it has been classified as a Variant of Uncertain Significance.